The following is an entry in ClinVar:

NM_025114.4(CEP290):c.418A>G (p.Lys140Glu)

Gene: CEP290 (centrosomal protein 290; minus strand). Cytogenetic location: 12q21.32.
Variant type: single nucleotide variant.
Coding change: c.418A>G on transcript NM_025114.4 (MANE Select); coding-DNA position 418, A replaced by G.
Protein change: p.Lys140Glu; replaces lysine 140 with glutamic acid.
Molecular consequence: missense variant.
Genome position (GRCh38, 1-based): chr12:88,136,666, T>C on the plus strand (A>G on the coding strand, the complement: CEP290 is on the minus strand). VCF-style: chr12-88136666-T-C. GRCh37 (hg19) VCF-style: chr12-88530443-T-C.
Other names: short protein forms K140E.
Identifiers: ClinVar variation 4977645 (VCV004977645.1).

ClinVar aggregate classification (germline): Uncertain significance (1 of 4 stars; one submission).

Conditions:
CEP290-related disorder. Also called: CEP290-related disorders; CEP290-related condition. Identifiers: MedGen CN239314.

gnomAD v4.1: 12 of 1,613,634 alleles (0.00074%); highest among the groups gnomAD compares: African/African-American, 0.015%; no homozygotes.

Submission:

PreventionGenetics, part of Exact Sciences
Classification: Uncertain significance for CEP290-related condition. Last evaluated: 2025-12-31. Review status: criteria provided, single submitter. Criteria: ACMG Guidelines, 2015. Collection method: clinical testing. Allele origin: germline.
Comment: The CEP290 c.418A>G variant is predicted to result in the amino acid substitution p.Lys140Glu. To our knowledge, this variant has not been reported in the literature. This variant is reported in 0.032% of alleles in individuals of African descent in gnomAD. At this time, the clinical significance of this variant is uncertain due to the absence of conclusive functional and genetic evidence.